The following is an entry in ClinVar:

ClinVar aggregate classification (germline): Uncertain significance (1 of 4 stars; one submission).

Conditions:
Familial hypobetalipoproteinemia 1. Also called: APOB-Related Familial Hypobetalipoproteinemia; Hypobetalipoproteinemia, normotriglyceridemic; Acanthocytosis with hypobetalipoproteinemia. Identifiers: MedGen C4551990, MONDO:0014252, OMIM 615558.
Hypercholesterolemia, autosomal dominant, type B (FHCL2). Also called: APOB-Related Familial Hypercholesterolemia, Autosomal Dominant; Familial hypercholesterolemia 2; Familial Hypercholesterolemia Type B; APOLIPOPROTEIN B-100, FAMILIAL DEFECTIVE; APOLIPOPROTEIN B-100, FAMILIAL LIGAND-DEFECTIVE; HYPERCHOLESTEROLEMIA, FAMILIAL, DUE TO LIGAND-DEFECTIVE APOLIPOPROTEIN B. Identifiers: MedGen C1704417, MONDO:0007751, OMIM 144010.

Submission:

Labcorp Genetics (formerly Invitae), Labcorp
Classification: Uncertain significance for Familial hypobetalipoproteinemia 1; Hypercholesterolemia, autosomal dominant, type B. Last evaluated: 2025-07-02. Review status: criteria provided, single submitter. Criteria: Invitae Variant Classification Sherloc (09022015). Collection method: clinical testing. Allele origin: germline.
Comment: This sequence change replaces alanine, which is neutral and non-polar, with proline, which is neutral and non-polar, at codon 2291 of the APOB protein (p.Ala2291Pro). This variant is not present in population databases (gnomAD no frequency). This variant has not been reported in the literature in individuals affected with APOB-related conditions. Invitae Evidence Modeling of protein sequence and biophysical properties (such as structural, functional, and spatial information, amino acid conservation, physicochemical variation, residue mobility, and thermodynamic stability) indicates that this missense variant is not expected to disrupt APOB protein function with a negative predictive value of 95%. In summary, the available evidence is currently insufficient to determine the role of this variant in disease. Therefore, it has been classified as a Variant of Uncertain Significance.

NM_000384.3(APOB):c.6871G>C (p.Ala2291Pro)

Gene: APOB (apolipoprotein B; minus strand). Cytogenetic location: 2p24.1.
Variant type: single nucleotide variant.
Coding change: c.6871G>C on transcript NM_000384.3 (MANE Select); coding-DNA position 6871, G replaced by C.
Protein change: p.Ala2291Pro; replaces alanine 2291 with proline.
Molecular consequence: missense variant.
Genome position (GRCh38, 1-based): chr2:21,009,997, C>G on the plus strand (G>C on the coding strand, the complement: APOB is on the minus strand). VCF-style: chr2-21009997-C-G. GRCh37 (hg19) VCF-style: chr2-21232869-C-G.
Other names: short protein forms A2291P.
Identifiers: ClinVar variation 4789285 (VCV004789285.1).